The following is an entry in ClinVar:

NC_000007.14:g.44123552C>T

Gene: POLD2 (DNA polymerase delta 2, accessory subunit; minus strand). Cytogenetic location: 7p13.
Variant type: single nucleotide variant.
Genome position: GRCh38 VCF-style: chr7-44123552-C-T. GRCh37 (hg19) VCF-style: chr7-44163151-C-T.
Identifiers: ClinVar variation 4807222 (VCV004807222.1).

ClinVar aggregate classification (germline): Uncertain significance (1 of 4 stars; one submission).

Submission:

Labcorp Genetics (formerly Invitae), Labcorp
Classification: Uncertain significance. Last evaluated: 2025-11-01. Review status: criteria provided, single submitter. Criteria: Invitae Variant Classification Sherloc (09022015). Collection method: clinical testing. Allele origin: germline.
Comment: This sequence change replaces glycine, which is neutral and non-polar, with glutamic acid, which is acidic and polar, at codon 3 of the POLD2 protein (p.Gly3Glu). This variant is not present in population databases (gnomAD no frequency). This variant has not been reported in the literature in individuals affected with POLD2-related conditions. Experimental studies and prediction algorithms are not available or were not evaluated, and the functional significance of this variant is currently unknown. In summary, the available evidence is currently insufficient to determine the role of this variant in disease. Therefore, it has been classified as a Variant of Uncertain Significance.